The following is an entry in ClinVar:

NM_005562.3(LAMC2):c.1194T>C (p.Ser398=)

Gene: LAMC2 (laminin subunit gamma 2; plus strand). Cytogenetic location: 1q25.3.
Variant type: single nucleotide variant.
Coding change: c.1194T>C on transcript NM_005562.3 (MANE Select); coding-DNA position 1194, T replaced by C.
Protein change: p.Ser398=; no amino-acid change (serine 398 retained).
Molecular consequence: synonymous variant.
Genome position (GRCh38, 1-based): chr1:183,226,825, T>C. VCF-style: chr1-183226825-T-C. GRCh37 (hg19) VCF-style: chr1-183195960-T-C.
Other names: c.1194T>C, p.Ser398= (NM_018891.3).
Identifiers: ClinVar variation 3898397 (VCV003898397.7).

ClinVar aggregate classification (germline): Likely benign (1 of 4 stars; one submission).

gnomAD v4.1: 1 of 1,614,218 alleles (0.000062%); highest among the groups gnomAD compares: Non-Finnish European, 0.000085%; no homozygotes.

Submission:

CeGaT Center for Human Genetics Tuebingen
Classification: Likely benign. Last evaluated: 2025-04-01. Review status: criteria provided, single submitter. Criteria: CeGaT Center For Human Genetics Tuebingen Variant Classification Criteria Version 2. Collection method: clinical testing. Allele origin: germline. Affected: yes. Observed: 1 variant allele.
Comment: LAMC2: BP4, BP7